The following is an entry in ClinVar:

NM_001005373.4(LRSAM1):c.2077G>C (p.Val693Leu)

Gene: LRSAM1 (leucine rich repeat and sterile alpha motif containing 1; plus strand). Cytogenetic location: 9q34.11.
Variant type: single nucleotide variant.
Coding change: c.2077G>C on transcript NM_001005373.4 (MANE Select); coding-DNA position 2077, G replaced by C.
Protein change: p.Val693Leu; replaces valine 693 with leucine.
Molecular consequence: missense variant. On other transcripts: non-coding transcript variant (2).
Genome position (GRCh38, 1-based): chr9:127,502,804, G>C. VCF-style: chr9-127502804-G-C. GRCh37 (hg19) VCF-style: chr9-130265083-G-C.
Other names: c.2077G>C, p.Val693Leu (NM_001005374.4, NM_001384142.1, NM_138361.5); c.1996G>C, p.Val666Leu (NM_001190723.3); c.1978G>C, p.Val660Leu (NM_001384143.1); c.1288G>C, p.Val430Leu (NM_001384144.1); short protein forms V660L, V430L, V666L, V693L.
Identifiers: ClinVar variation 1937495 (VCV001937495.5), dbSNP rs1479597940, ClinGen allele CA374938665.
Genomic context (GRCh38, chr9:127,502,804, plus strand): 5'-CAGCCACATGCTCCCGCTCTCCCTCCCCAGGCCCAGATGATCTTCCTCAACTGTGGCCAC[G>C]TCTGCTGCTGCCAGCAGTGCTGCCAGCCACTGCGCACCTGCCCGCTGTGCCGCCAGGACA-3'
Protein context (NP_001005373.1, residues 683-703): AQMIFLNCGH[Val693Leu]CCCQQCCQPL

ClinVar aggregate classification (germline): Uncertain significance (1 of 4 stars; one submission).

Conditions:
Charcot-Marie-Tooth disease axonal type 2P. Also called: CHARCOT-MARIE-TOOTH NEUROPATHY, TYPE 2P; Charcot-Marie-Tooth Neuropathy Type 2G; CHARCOT-MARIE-TOOTH DISEASE, AXONAL, TYPE 2G; CMT 2G. Identifiers: Orphanet 300319, Orphanet 99941, MedGen C3280797, MONDO:0013753, OMIM 614436.

Submission:

Labcorp Genetics (formerly Invitae), Labcorp
Classification: Uncertain significance for Charcot-Marie-Tooth disease axonal type 2P. Last evaluated: 2022-11-01. Review status: criteria provided, single submitter. Criteria: Invitae Variant Classification Sherloc (09022015). Collection method: clinical testing. Allele origin: germline.
Comment: In summary, the available evidence is currently insufficient to determine the role of this variant in disease. Therefore, it has been classified as a Variant of Uncertain Significance. Advanced modeling of protein sequence and biophysical properties (such as structural, functional, and spatial information, amino acid conservation, physicochemical variation, residue mobility, and thermodynamic stability) performed at Invitae indicates that this missense variant is not expected to disrupt LRSAM1 protein function. This variant has not been reported in the literature in individuals affected with LRSAM1-related conditions. This variant is not present in population databases (gnomAD no frequency). This sequence change replaces valine, which is neutral and non-polar, with leucine, which is neutral and non-polar, at codon 693 of the LRSAM1 protein (p.Val693Leu).